The following is an entry in ClinVar:

NM_004304.5(ALK):c.2399T>A (p.Val800Glu)

Gene: ALK (ALK receptor tyrosine kinase; minus strand). Cytogenetic location: 2p23.2.
Variant type: single nucleotide variant.
Coding change: c.2399T>A on transcript NM_004304.5 (MANE Select); coding-DNA position 2399, T replaced by A.
Protein change: p.Val800Glu; replaces valine 800 with glutamic acid.
Molecular consequence: missense variant.
Genome position (GRCh38, 1-based): chr2:29,233,653, A>T on the plus strand (T>A on the coding strand, the complement: ALK is on the minus strand). VCF-style: chr2-29233653-A-T. GRCh37 (hg19) VCF-style: chr2-29456519-A-T.
Other names: short protein forms V800E.
Identifiers: ClinVar variation 2827106 (VCV002827106.3), dbSNP rs2465989894, ClinGen allele CA346472405.
Genomic context (GRCh38, chr2:29,233,653, plus strand): 5'-CCTCCTCCGCCTCCTGCCCACTCATGCACGCTTCTGTTCACACGGATTTCTTCTTCTATC[A>T]CATTGTTCTCTCCAATGCAGACTTTCTGGATTAACTGGTTTGTCTGTAGAAACAAAAAGC-3'
Protein context (NP_004295.2, residues 790-810): IQKVCIGENN[Val800Glu]IEEEIRVNRS

ClinVar aggregate classification (germline): Uncertain significance (1 of 4 stars; one submission).

Conditions:
Neuroblastoma, susceptibility to, 3. Also called: ALK-Related Neuroblastic Tumor Susceptibility. Identifiers: Orphanet 635, MedGen C2751681, MONDO:0013083, OMIM 613014.

Submission:

Labcorp Genetics (formerly Invitae), Labcorp
Classification: Uncertain significance for Neuroblastoma, susceptibility to, 3. Last evaluated: 2023-01-08. Review status: criteria provided, single submitter. Criteria: Invitae Variant Classification Sherloc (09022015). Collection method: clinical testing. Allele origin: germline.
Comment: In summary, the available evidence is currently insufficient to determine the role of this variant in disease. Therefore, it has been classified as a Variant of Uncertain Significance. Algorithms developed to predict the effect of missense changes on protein structure and function (SIFT, PolyPhen-2, Align-GVGD) all suggest that this variant is likely to be disruptive. This variant has not been reported in the literature in individuals affected with ALK-related conditions. This variant is not present in population databases (gnomAD no frequency). This sequence change replaces valine, which is neutral and non-polar, with glutamic acid, which is acidic and polar, at codon 800 of the ALK protein (p.Val800Glu).